The following is an entry in ClinVar:

ClinVar aggregate classification (germline): Likely pathogenic (1 of 4 stars; one submission).

Conditions:
Jeune thoracic dystrophy. Also called: Jeune syndrome; Infantile thoracic dystrophy; Thoracic pelvic phalangeal dystrophy; Jeune's syndrome; Chondroectodermal dysplasia-like syndrome; Short-rib thoracic dysplasia. Identifiers: Orphanet 474, MedGen C0265275, MONDO:0018770.
Nephronophthisis. Also called: Juvenile Nephronophthisis. Identifiers: Orphanet 655, MedGen C0687120, MONDO:0019005, HP:0000090.

Submission:

Labcorp Genetics (formerly Invitae), Labcorp
Classification: Likely pathogenic for Jeune thoracic dystrophy; Nephronophthisis. Last evaluated: 2023-01-16. Review status: criteria provided, single submitter. Criteria: Invitae Variant Classification Sherloc (09022015). Collection method: clinical testing. Allele origin: germline.
Comment: In summary, the currently available evidence indicates that the variant is pathogenic, but additional data are needed to prove that conclusively. Therefore, this variant has been classified as Likely Pathogenic. Algorithms developed to predict the effect of sequence changes on RNA splicing suggest that this variant may disrupt the consensus splice site. This variant has not been reported in the literature in individuals affected with TTC21B-related conditions. This variant is not present in population databases (gnomAD no frequency). This sequence change affects an acceptor splice site in intron 14 of the TTC21B gene. It is expected to disrupt RNA splicing. Variants that disrupt the donor or acceptor splice site typically lead to a loss of protein function (PMID: 16199547), and loss-of-function variants in TTC21B are known to be pathogenic (PMID: 18327258, 21068128, 21258341, 23559409, 24876116, 25492405, 27491411, 29068549).

Literature cited by the submitters: PubMed 16199547; PubMed 18327258; PubMed 21068128; PubMed 21258341; PubMed 23559409; PubMed 24876116; PubMed 25492405; PubMed 27491411; PubMed 29068549.

NM_024753.5(TTC21B):c.1900-2A>G

Gene: TTC21B (tetratricopeptide repeat domain 21B; minus strand). Cytogenetic location: 2q24.3.
Variant type: single nucleotide variant.
Coding change: c.1900-2A>G on transcript NM_024753.5 (MANE Select); the canonical splice acceptor site of the intron before coding-DNA position 1900, A replaced by G.
Molecular consequence: splice acceptor variant.
Genome position (GRCh38, 1-based): chr2:165,915,441, T>C on the plus strand (A>G on the coding strand, the complement: TTC21B is on the minus strand). VCF-style: chr2-165915441-T-C. GRCh37 (hg19) VCF-style: chr2-166771951-T-C.
Identifiers: ClinVar variation 2943290 (VCV002943290.3), dbSNP rs2468177005, ClinGen allele CA349059174.